The following is an entry in ClinVar:

NM_000179.3(MSH6):c.3686A>G (p.Asn1229Ser)

Gene: MSH6 (mutS homolog 6; plus strand). Cytogenetic location: 2p16.3.
Variant type: single nucleotide variant.
Coding change: c.3686A>G on transcript NM_000179.3 (MANE Select); coding-DNA position 3686, A replaced by G.
Protein change: p.Asn1229Ser; replaces asparagine 1229 with serine.
Molecular consequence: missense variant.
Genome position (GRCh38, 1-based): chr2:47,806,243, A>G. VCF-style: chr2-47806243-A-G. GRCh37 (hg19) VCF-style: chr2-48033382-A-G.
Other names: p.N1229S:AAT>AGT; c.3296A>G, p.Asn1099Ser (NM_001281492.2); c.2780A>G, p.Asn927Ser (NM_001281493.2, NM_001281494.2); short protein forms N1229S, N927S, N1099S.
Identifiers: ClinVar variation 182648 (VCV000182648.27), dbSNP rs730881807, ClinGen allele CA013811.
Genomic context (GRCh38, chr2:47,806,243, plus strand): 5'-ATGCATATTTTACTTTAACAGGAAGAGGTACTGCAACATTTGATGGGACGGCAATAGCAA[A>G]TGCAGTTGTTAAAGAACTTGCTGAGACTATAAAATGTCGTACATTATTTTCAACTCACTA-3'
Protein context (NP_000170.1, residues 1219-1239): TATFDGTAIA[Asn1229Ser]AVVKELAETI

ClinVar aggregate classification (germline): Conflicting classifications of pathogenicity. Review status: criteria provided, conflicting classifications (1 of 4 stars). 9 submissions from 9 submitters: Uncertain significance (7); Benign (1). 1 of the submissions does not count toward it. Last evaluated 2026-09-04.

Conditions:
Hereditary nonpolyposis colorectal neoplasms. Identifiers: MedGen C0009405, MeSH D003123.
Hereditary cancer-predisposing syndrome. Also called: Tumor predisposition; Hereditary Cancer Syndrome; Hereditary neoplastic syndrome; Neoplastic Syndromes, Hereditary. Identifiers: Orphanet 140162, MedGen C0027672, MeSH D009386, MONDO:0015356.
Lynch syndrome. Identifiers: Orphanet 144, MedGen C4552100, MONDO:0005835. Disease mechanism: loss of function.
Lynch syndrome 5 (LYNCH5). Also called: Hereditary non-polyposis colorectal cancer, type 5; Colorectal cancer, hereditary nonpolyposis, type 5. Identifiers: Orphanet 144, MedGen C1833477, MONDO:0013710, OMIM 614350. Disease mechanism: loss of function.
Endometrial carcinoma. Also called: Endometrial carcinoma, somatic. Identifiers: MedGen C0476089, MONDO:0002447, OMIM 608089, HP:0012114.

Allele frequency attached by ClinVar (database versions not stated): TOPMed below 0.00001; gnomAD 0.00001; gnomAD exomes 0.00001 and 0.00002; ExAC 0.00002.

Submissions (9):

GeneDx
Classification: Uncertain significance. Last evaluated: 2026-09-04. Review status: criteria provided, single submitter. Criteria: GeneDx Variant Classification Process June 2021. Collection method: clinical testing. Allele origin: germline.
Comment: In silico analysis suggests that this missense variant does not alter protein structure/function; Has not been previously published as pathogenic or benign to our knowledge; This variant is associated with the following publications: (PMID: 30798936, 17531815, 21120944)

Labcorp Genetics (formerly Invitae), Labcorp
Classification: Benign for Hereditary nonpolyposis colorectal neoplasms. Last evaluated: 2026-01-13. Review status: criteria provided, single submitter. Criteria: Invitae Variant Classification Sherloc (09022015). Collection method: clinical testing. Allele origin: germline.

Women's Health and Genetics/Laboratory Corporation of America, LabCorp
Classification: Uncertain significance. Last evaluated: 2025-12-30. Review status: criteria provided, single submitter. Criteria: LabCorp Variant Classification Summary - May 2015. Collection method: clinical testing. Allele origin: germline.
Comment: Variant summary: MSH6 c.3686A>G (p.Asn1229Ser) results in a conservative amino acid change located in the DNA mismatch repair protein MutS, C-terminal domain (IPR000432) of the encoded protein sequence. Algorithms developed to predict the effect of missense changes on protein structure and function are either unavailable or do not agree on the potential impact of this missense change. The variant allele was found at a frequency of 2.4e-05 in 251240 control chromosomes. The available data on variant occurrences in the general population are insufficient to allow any conclusion about variant significance. To our knowledge, no occurrence of c.3686A>G in individuals affected with MSH6-related conditions and no experimental evidence demonstrating its impact on protein function have been reported. ClinVar contains an entry for this variant (Variation ID: 182648). Based on the evidence outlined above, the variant was classified as uncertain significance.

Ambry Genetics
Classification: Uncertain significance for Hereditary cancer-predisposing syndrome. Last evaluated: 2024-11-01. Review status: criteria provided, single submitter. Criteria: Ambry Variant Classification Scheme 2023. Collection method: clinical testing. Allele origin: germline.
Comment: The p.N1229S variant (also known as c.3686A>G), located in coding exon 8 of the MSH6 gene, results from an A to G substitution at nucleotide position 3686. The asparagine at codon 1229 is replaced by serine, an amino acid with highly similar properties. This amino acid position is not well conserved in available vertebrate species, and serine is the reference amino acid in other vertebrate species. In addition, this alteration is predicted to be tolerated by in silico analysis. Since supporting evidence is limited at this time, the clinical significance of this alteration remains unclear.

Quest Diagnostics Nichols Institute San Juan Capistrano
Classification: Uncertain significance. Last evaluated: 2024-08-17. Review status: criteria provided, single submitter. Criteria: Quest Diagnostics criteria. Collection method: clinical testing. Allele origin: unknown.
Comment: The MSH6 c.3686A>G (p.Asn1229Ser) variant has not been reported in individuals with MSH6-related conditions in the published literature. The frequency of this variant in the general population, 0.00017 (6/34546 chromosomes (Genome Aggregation Database)), is uninformative in the assessment of its pathogenicity. Analysis of this variant using bioinformatics tools for the prediction of the effect of amino acid changes on protein structure and function yielded predictions that this variant is benign. Based on the available information, we are unable to determine the clinical significance of this variant.

Baylor Genetics
Classification: Uncertain significance for Endometrial carcinoma. Last evaluated: 2024-02-28. Review status: criteria provided, single submitter. Criteria: ACMG Guidelines, 2015. Collection method: clinical testing. Allele origin: unknown.

All of Us Research Program, National Institutes of Health
Classification: Uncertain significance for Lynch syndrome. Last evaluated: 2023-09-17. Review status: criteria provided, single submitter. Criteria: ACMG Guidelines, 2015. Collection method: clinical testing. Allele origin: germline. Inheritance: Autosomal dominant inheritance. Observed: 1 variant allele, 1 heterozygote.
Comment: This missense variant replaces asparagine with serine at codon 1229 of the MSH6 protein. Computational prediction suggests that this variant may not impact protein structure and function (internally defined REVEL score threshold <= 0.5, PMID: 27666373). To our knowledge, functional studies have not been reported for this variant. This variant has not been reported in individuals affected with MSH6-related disorders in the literature. This variant has been identified in 6/251240 chromosomes in the general population by the Genome Aggregation Database (gnomAD). The available evidence is insufficient to determine the role of this variant in disease conclusively. Therefore, this variant is classified as a Variant of Uncertain Significance.

This study involves interpretation of variants in research participants for the purpose of population health screening. Participant phenotype was not available at the time of variant classification. Additional details can be found in publication PMID: 35346344, PMCID: PMC8962531

Myriad Genetics, Inc.
Classification: Uncertain significance for Lynch syndrome 5. Last evaluated: 2023-03-29. Review status: criteria provided, single submitter. Criteria: Myriad Autosomal Dominant, Autosomal Recessive and X-Linked Classification Criteria (2023). Collection method: clinical testing. Allele origin: unknown.
Comment: This variant is classified as a variant of uncertain significance as there is insufficient evidence to determine its impact on protein function and/or cancer risk.

Counsyl
Classification: Uncertain significance for Lynch syndrome 5. Last evaluated: 2018-03-07. Review status: no assertion criteria provided. Collection method: clinical testing. Allele origin: unknown. Not counted in ClinVar's aggregate classification.